The following is an entry in ClinVar:

ClinVar aggregate classification (germline): Uncertain significance. Review status: criteria provided, multiple submitters, no conflicts (2 of 4 stars). 3 submissions from 3 submitters: Uncertain significance (3). Last evaluated 2024-04-10.

Conditions:
Inborn genetic diseases. Identifiers: MedGen C0950123, MeSH D030342.

Allele frequency attached by ClinVar (database versions not stated): TOPMed below 0.00001; ExAC 0.00001; gnomAD exomes 0.00001.
gnomAD v4.1: 8 of 1,613,906 alleles (0.0005%); highest among the groups gnomAD compares: Admixed American, 0.005%; no homozygotes.

Submissions (3):

Labcorp Genetics (formerly Invitae), Labcorp
Classification: Uncertain significance. Last evaluated: 2024-04-10. Review status: criteria provided, single submitter. Criteria: Invitae Variant Classification Sherloc (09022015). Collection method: clinical testing. Allele origin: germline.
Comment: This sequence change replaces glutamic acid, which is acidic and polar, with glutamine, which is neutral and polar, at codon 1339 of the COL7A1 protein (p.Glu1339Gln). This variant is present in population databases (rs765321512, gnomAD 0.006%). This variant has not been reported in the literature in individuals affected with COL7A1-related conditions. ClinVar contains an entry for this variant (Variation ID: 2308339). Advanced modeling of protein sequence and biophysical properties (such as structural, functional, and spatial information, amino acid conservation, physicochemical variation, residue mobility, and thermodynamic stability) performed at Invitae indicates that this missense variant is not expected to disrupt COL7A1 protein function with a negative predictive value of 95%. In summary, the available evidence is currently insufficient to determine the role of this variant in disease. Therefore, it has been classified as a Variant of Uncertain Significance.

Women's Health and Genetics/Laboratory Corporation of America, LabCorp
Classification: Uncertain significance. Last evaluated: 2023-11-20. Review status: criteria provided, single submitter. Criteria: LabCorp Variant Classification Summary - May 2015. Collection method: clinical testing. Allele origin: germline.

Ambry Genetics
Classification: Uncertain significance for Inborn genetic diseases. Last evaluated: 2022-08-17. Review status: criteria provided, single submitter. Criteria: Ambry Variant Classification Scheme 2023. Collection method: clinical testing. Allele origin: germline.

NM_000094.4(COL7A1):c.4015G>C (p.Glu1339Gln)

Gene: COL7A1 (collagen type VII alpha 1 chain; minus strand). Cytogenetic location: 3p21.31.
Variant type: single nucleotide variant.
Coding change: c.4015G>C on transcript NM_000094.4 (MANE Select); coding-DNA position 4015, G replaced by C.
Protein change: p.Glu1339Gln; replaces glutamic acid 1339 with glutamine.
Molecular consequence: missense variant.
Genome position (GRCh38, 1-based): chr3:48,584,766, C>G on the plus strand (G>C on the coding strand, the complement: COL7A1 is on the minus strand). VCF-style: chr3-48584766-C-G. GRCh37 (hg19) VCF-style: chr3-48622199-C-G.
Other names: short protein forms E1339Q.
Identifiers: ClinVar variation 2308339 (VCV002308339.5), dbSNP rs765321512, ClinGen allele CA2380268.